The following is an entry in ClinVar:

ClinVar aggregate classification (germline): Pathogenic (1 of 4 stars; one submission).

Submission:

Labcorp Genetics (formerly Invitae), Labcorp
Classification: Pathogenic. Last evaluated: 2021-08-03. Review status: criteria provided, single submitter. Criteria: Invitae Variant Classification Sherloc (09022015). Collection method: clinical testing. Allele origin: germline.
Comment: For these reasons, this variant has been classified as Pathogenic. This variant has not been reported in the literature in individuals affected with MME-related conditions. This variant is not present in population databases (ExAC no frequency). This sequence change creates a premature translational stop signal (p.Ile264Metfs*10) in the MME gene. It is expected to result in an absent or disrupted protein product. Loss-of-function variants in MME are known to be pathogenic (PMID: 26991897).

Literature cited by the submitters: PubMed 26991897.

NM_007289.4(MME):c.792del (p.Ile264fs)

Gene: MME (membrane metalloendopeptidase; plus strand). Cytogenetic location: 3q25.2.
Variant type: Deletion.
Coding change: c.792del on transcript NM_007289.4 (MANE Select); coding-DNA position 792, one base deleted (C; older notation c.792delC).
Protein change: p.Ile264fs; shifts the reading frame from isoleucine 264.
Molecular consequence: frameshift variant.
Genome position (GRCh38, 1-based): chr3:155,138,173, C deleted. VCF-style (leftmost placement, unchanged base first): chr3-155138172-TC-T. GRCh37 (hg19) VCF-style: chr3-154855961-TC-T.
Other names: c.792del, p.Ile264fs (NM_000902.5, NM_001354642.2, NM_001354643.1 and 2 more transcripts); short protein forms I264fs.
Identifiers: ClinVar variation 1352800 (VCV001352800.6), dbSNP rs2108303574, ClinGen allele CA2573136627.
Genomic context (GRCh38, chr3:155,138,172, plus strand): 5'-CATATGTGGATTTTATGATTTCTGTGGCCAGATTGATTCGTCAGGAAGAAAGATTGCCCA[TC>T]GATGAAAACCAGCTTGCTTTGGAAATGAATAAAGTTATGGAATTGGAAAAAGAAATTGCC-3'